The following is an entry in ClinVar:

NM_000292.3(PHKA2):c.3705A>G (p.Gln1235=)

Genes: PHKA2 (phosphorylase kinase regulatory subunit alpha 2; minus strand), PHKA2-AS1 (PHKA2 antisense RNA 1; plus strand). Cytogenetic location: Xp22.13.
Variant type: single nucleotide variant.
Coding change: c.3705A>G on transcript NM_000292.3 (MANE Select); coding-DNA position 3705, A replaced by G.
Protein change: p.Gln1235=; no amino-acid change (glutamine 1235 retained).
Molecular consequence: synonymous variant.
Genome position (GRCh38, 1-based): chrX:18,893,488, T>C on the plus strand (A>G on the coding strand, the complement: PHKA2 is on the minus strand). VCF-style: chrX-18893488-T-C. GRCh37 (hg19) VCF-style: chrX-18911606-T-C.
Identifiers: ClinVar variation 255777 (VCV000255777.12), dbSNP rs112249974, ClinGen allele CA10361240.

ClinVar aggregate classification (germline): Benign. Review status: criteria provided, multiple submitters, no conflicts (2 of 4 stars). 4 submissions from 4 submitters: Benign (4). Last evaluated 2026-02-02.

Conditions:
Glycogen storage disease IXa1. Also called: GLYCOGEN STORAGE DISEASE VIII; GSD VIII; Glycogen storage disease 8; LIVER GLYCOGENOSIS, X-LINKED, TYPE I. Identifiers: Orphanet 264580, MedGen C3694531, MONDO:0010598, OMIM 306000.

Allele frequency attached by ClinVar (database versions not stated): gnomAD exomes 0.00043 and 0.00107; ExAC 0.00133; gnomAD 0.00383 and 0.00409; 1000 Genomes Project 0.00397; TOPMed 0.00423; 1000 Genomes Project 30x 0.00458; ESP Exome Variant Server 0.00559.
gnomAD v4.1: 925 of 1,208,857 alleles (0.077%); highest among the groups gnomAD compares: African/African-American, 1.4%; 1 homozygote.

Submissions (4):

Labcorp Genetics (formerly Invitae), Labcorp
Classification: Benign for Glycogen storage disease IXa1. Last evaluated: 2026-02-02. Review status: criteria provided, single submitter. Criteria: Invitae Variant Classification Sherloc (09022015). Collection method: clinical testing. Allele origin: germline.

GeneDx
Classification: Benign. Last evaluated: 2016-08-02. Review status: criteria provided, single submitter. Criteria: GeneDx Variant Classification (06012015). Collection method: clinical testing. Allele origin: germline. Affected: yes.
Comment: This variant is considered likely benign or benign based on one or more of the following criteria: it is a conservative change, it occurs at a poorly conserved position in the protein, it is predicted to be benign by multiple in silico algorithms, and/or has population frequency not consistent with disease.

Breakthrough Genomics
Classification: Benign. Review status: criteria provided, single submitter. Criteria: ACMG Guidelines, 2015. Collection method: not provided. Allele origin: germline. Inheritance: X-linked inheritance. Affected: yes.

PreventionGenetics, part of Exact Sciences
Classification: Benign. Review status: criteria provided, single submitter. Criteria: ACMG Guidelines, 2015. Collection method: clinical testing. Allele origin: germline.